The following is an entry in ClinVar:

NM_005655.4(KLF10):c.1410T>G (p.Ile470Met)

Gene: KLF10 (KLF transcription factor 10; minus strand). Cytogenetic location: 8q22.3.
Variant type: single nucleotide variant.
Coding change: c.1410T>G on transcript NM_005655.4 (MANE Select); coding-DNA position 1410, T replaced by G.
Protein change: p.Ile470Met; replaces isoleucine 470 with methionine.
Molecular consequence: missense variant. On other transcripts: non-coding transcript variant (2).
Genome position (GRCh38, 1-based): chr8:102,650,165, A>C on the plus strand (T>G on the coding strand, the complement: KLF10 is on the minus strand). VCF-style: chr8-102650165-A-C. GRCh37 (hg19) VCF-style: chr8-103662393-A-C.
Other names: c.1377T>G, p.Ile459Met (NM_001032282.4); short protein forms I459M, I470M.
Identifiers: ClinVar variation 1477025 (VCV001477025.6), dbSNP rs1226794099, ClinGen allele CA371621640.

ClinVar aggregate classification (germline): Uncertain significance (1 of 4 stars; one submission).

Allele frequency attached by ClinVar (database versions not stated): gnomAD exomes below 0.00001.
gnomAD v4.1: 3 of 1,614,204 alleles (0.00019%); highest among the groups gnomAD compares: Non-Finnish European, 0.00025%; no homozygotes.

Submission:

Labcorp Genetics (formerly Invitae), Labcorp
Classification: Uncertain significance. Last evaluated: 2021-07-31. Review status: criteria provided, single submitter. Criteria: Invitae Variant Classification Sherloc (09022015). Collection method: clinical testing. Allele origin: germline.
Comment: This variant is not present in population databases (ExAC no frequency). This sequence change replaces isoleucine with methionine at codon 470 of the KLF10 protein (p.Ile470Met). The isoleucine residue is moderately conserved and there is a small physicochemical difference between isoleucine and methionine. This variant has not been reported in the literature in individuals affected with KLF10-related conditions. In summary, the available evidence is currently insufficient to determine the role of this variant in disease. Therefore, it has been classified as a Variant of Uncertain Significance. Algorithms developed to predict the effect of missense changes on protein structure and function (SIFT, PolyPhen-2, Align-GVGD) all suggest that this variant is likely to be tolerated.